The following is an entry in ClinVar:

NM_006231.4(POLE):c.6544C>A (p.Leu2182Met)

Gene: POLE (DNA polymerase epsilon, catalytic subunit; minus strand). Cytogenetic location: 12q24.33.
Variant type: single nucleotide variant.
Coding change: c.6544C>A on transcript NM_006231.4 (MANE Select); coding-DNA position 6544, C replaced by A.
Protein change: p.Leu2182Met; replaces leucine 2182 with methionine.
Molecular consequence: missense variant.
Genome position (GRCh38, 1-based): chr12:132,625,758, G>T on the plus strand (C>A on the coding strand, the complement: POLE is on the minus strand). VCF-style: chr12-132625758-G-T. GRCh37 (hg19) VCF-style: chr12-133202344-G-T.
Other names: short protein forms L2182M.
Identifiers: ClinVar variation 2496834 (VCV002496834.2), dbSNP rs1555301108, ClinGen allele CA387366925.
Genomic context (GRCh38, chr12:132,625,758, plus strand): 5'-TCATCTCGATGGCAGAGGAGTCGTAGGGCGCCTGACAGTTGGAGCAGAGCCACTGAGGCA[G>T]GACCGCCCCATCCTAGGCAGAGCAAGAGTGCGAGAGGTCACCAGCCCAGCCTCCAGACCA-3'
Protein context (NP_006222.2, residues 2172-2192): DSSFSEDGAV[Leu2182Met]PQWLCSNCQA

ClinVar aggregate classification (germline): Uncertain significance (1 of 4 stars; one submission).

Conditions:
Hereditary cancer-predisposing syndrome. Also called: Neoplastic Syndromes, Hereditary; Hereditary neoplastic syndrome; Tumor predisposition; Hereditary Cancer Syndrome. Identifiers: Orphanet 140162, MedGen C0027672, MeSH D009386, MONDO:0015356.

Submission:

Ambry Genetics
Classification: Uncertain significance for Hereditary cancer-predisposing syndrome. Last evaluated: 2023-01-05. Review status: criteria provided, single submitter. Criteria: Ambry Variant Classification Scheme 2023. Collection method: clinical testing. Allele origin: germline.
Comment: The p.L2182M variant (also known as c.6544C>A), located in coding exon 47 of the POLE gene, results from a C to A substitution at nucleotide position 6544. The leucine at codon 2182 is replaced by methionine, an amino acid with highly similar properties. This amino acid position is conserved. In addition, this alteration is predicted to be tolerated by in silico analysis. Since supporting evidence is limited at this time, the clinical significance of this alteration remains unclear.